The following is an entry in ClinVar:

NM_004795.4(KL):c.1602A>G (p.Val534=)

Gene: KL (klotho; plus strand). Cytogenetic location: 13q13.1.
Variant type: single nucleotide variant.
Coding change: c.1602A>G on transcript NM_004795.4 (MANE Select); coding-DNA position 1602, A replaced by G.
Protein change: p.Val534=; no amino-acid change (valine 534 retained).
Molecular consequence: synonymous variant.
Genome position (GRCh38, 1-based): chr13:33,060,681, A>G. VCF-style: chr13-33060681-A-G. GRCh37 (hg19) VCF-style: chr13-33634818-A-G.
Other names: c.1602A>G (NM_004795.3).
Identifiers: ClinVar variation 2192766 (VCV002192766.5), dbSNP rs372326857, ClinGen allele CA6944150.
Genomic context (GRCh38, chr13:33,060,681, plus strand): 5'-TTGAATTACTTCCTCAGGACTGCCCAGGTGACGCTAATGTTTACTCTGCCCTTCACAGGT[A>G]GATACCACTCTGTCTCAGTTTACCGACCTGAATGTTTACCTGTGGGATGTCCACCACAGT-3'
Protein context (NP_004786.2, residues 524-544): AWGVVDNYIQ[Val534=]DTTLSQFTDL

ClinVar aggregate classification (germline): Likely benign. Review status: criteria provided, multiple submitters, no conflicts (2 of 4 stars). 2 submissions from 2 submitters: Likely benign (2). Last evaluated 2024-12-12.

Conditions:
KL-related disorder. Also called: KL-related condition.

Allele frequency attached by ClinVar (database versions not stated): TOPMed below 0.00001; gnomAD exomes 0.00001; ExAC 0.00002; ESP Exome Variant Server 0.00008.
gnomAD v4.1: 12 of 1,614,220 alleles (0.00074%); highest among the groups gnomAD compares: Non-Finnish European, 0.00093%; no homozygotes.

Submissions (2):

PreventionGenetics, part of Exact Sciences
Classification: Likely benign for KL-related condition. Last evaluated: 2024-12-12. Review status: criteria provided, single submitter. Criteria: ACMG Guidelines, 2015. Collection method: clinical testing. Allele origin: germline.
Comment: This variant is classified as likely benign based on ACMG/AMP sequence variant interpretation guidelines (Richards et al. 2015 PMID: 25741868, with internal and published modifications).

Labcorp Genetics (formerly Invitae), Labcorp
Classification: Likely benign. Last evaluated: 2022-07-05. Review status: criteria provided, single submitter. Criteria: Invitae Variant Classification Sherloc (09022015). Collection method: clinical testing. Allele origin: germline.